The following is an entry in ClinVar:

ClinVar aggregate classification (germline): Uncertain significance. Review status: criteria provided, multiple submitters, no conflicts (2 of 4 stars). 4 submissions from 4 submitters: Uncertain significance (3). 1 of the submissions does not count toward it. Last evaluated 2024-10-15.

Conditions:
Autosomal recessive retinitis pigmentosa. Identifiers: MedGen C0339526.
Retinitis pigmentosa 25 (RP25). Identifiers: Orphanet 791, MedGen C1864446, MONDO:0011272, OMIM 602772.

Allele frequency attached by ClinVar (database versions not stated): gnomAD exomes 0.00003 and 0.00006; gnomAD 0.00007 and 0.00008; TOPMed 0.00007.
gnomAD v4.1: 91 of 1,551,260 alleles (0.0059%); highest among the groups gnomAD compares: Non-Finnish European, 0.0072%; no homozygotes.

Submissions (4):

Blueprint Genetics
Classification: Uncertain significance. Last evaluated: 2024-10-15. Review status: criteria provided, single submitter. Criteria: ACMG Guidelines, 2015. Collection method: clinical testing. Allele origin: germline.

Labcorp Genetics (formerly Invitae), Labcorp
Classification: Uncertain significance. Last evaluated: 2022-10-13. Review status: criteria provided, single submitter. Criteria: Invitae Variant Classification Sherloc (09022015). Collection method: clinical testing. Allele origin: germline.
Comment: This sequence change replaces isoleucine, which is neutral and non-polar, with threonine, which is neutral and polar, at codon 3000 of the EYS protein (p.Ile3000Thr). This variant is present in population databases (rs778823043, gnomAD 0.005%). This variant has not been reported in the literature in individuals affected with EYS-related conditions. ClinVar contains an entry for this variant (Variation ID: 970888). Algorithms developed to predict the effect of missense changes on protein structure and function output the following: SIFT: "Tolerated"; PolyPhen-2: "Benign"; Align-GVGD: "Class C0". The threonine amino acid residue is found in multiple mammalian species, which suggests that this missense change does not adversely affect protein function. In summary, the available evidence is currently insufficient to determine the role of this variant in disease. Therefore, it has been classified as a Variant of Uncertain Significance.

Fulgent Genetics
Classification: Uncertain significance for Retinitis pigmentosa 25. Last evaluated: 2021-07-28. Review status: criteria provided, single submitter. Criteria: ACMG Guidelines, 2015. Collection method: clinical testing. Allele origin: unknown.

Natera, Inc.
Classification: Uncertain significance for Autosomal recessive retinitis pigmentosa. Last evaluated: 2020-08-13. Review status: no assertion criteria provided. Collection method: clinical testing. Allele origin: germline. Not counted in ClinVar's aggregate classification.

NM_001142800.2(EYS):c.8999T>C (p.Ile3000Thr)

Genes: EYS (EGF-like photoreceptor maintenance factor; minus strand), PHF3 (PHD finger protein 3; plus strand). Cytogenetic location: 6q12.
Variant type: single nucleotide variant.
Coding change: c.8999T>C on transcript NM_001142800.2 (MANE Select); coding-DNA position 8999, T replaced by C.
Protein change: p.Ile3000Thr; replaces isoleucine 3000 with threonine.
Molecular consequence: missense variant. On other transcripts: 3 prime UTR variant (5).
Genome position (GRCh38, 1-based): chr6:63,721,032, A>G on the plus strand (T>C on the coding strand, the complement: EYS is on the minus strand). VCF-style: chr6-63721032-A-G. GRCh37 (hg19) VCF-style: chr6-64430928-A-G.
Other names: c.*7324A>G (NM_001290259.2, NM_001370348.2, NM_001370349.2 and 2 more transcripts); c.9062T>C, p.Ile3021Thr (NM_001292009.2); short protein forms I3000T, I3021T.
Identifiers: ClinVar variation 970888 (VCV000970888.10), dbSNP rs778823043, ClinGen allele CA140236810.
Genomic context (GRCh38, chr6:63,721,032, plus strand): 5'-ATTTTCAAGGTCTGATTATGGAGACCAATTGCCAGAAAATCATTTTCTTCATTTTGAGCT[A>G]TTCCCATCCATACAATTAGACCTTCTGTTTTAGTGGTACTGAAATTTAAGGATATAGTAG-3'
Protein context (NP_001136272.1, residues 2990-3010): KTEGLIVWMG[Ile3000Thr]AQNEENDFLA